The following is an entry in ClinVar:

NM_000540.3(RYR1):c.9977A>G (p.Asn3326Ser)

Gene: RYR1 (ryanodine receptor 1; plus strand). Cytogenetic location: 19q13.2.
Variant type: single nucleotide variant.
Coding change: c.9977A>G on transcript NM_000540.3 (MANE Select); coding-DNA position 9977, A replaced by G.
Protein change: p.Asn3326Ser; replaces asparagine 3326 with serine.
Molecular consequence: missense variant.
Genome position (GRCh38, 1-based): chr19:38,517,650, A>G. VCF-style: chr19-38517650-A-G. GRCh37 (hg19) VCF-style: chr19-39008290-A-G.
Other names: c.9977A>G, p.Asn3326Ser (NM_001042723.2); short protein forms N3326S.
Identifiers: ClinVar variation 3075266 (VCV003075266.1), dbSNP rs2514434424, ClinGen allele CA405693228.

ClinVar aggregate classification (germline): Uncertain significance (1 of 4 stars; one submission).

Conditions:
Malignant hyperthermia, susceptibility to, 1 (MHS1). Also called: Anesthesia related hyperthermia; Malignant hyperpyrexia; Fulminating hyperpyrexia; Pharmacogenic myopathy; RYR1-Related Malignant Hyperthermia Susceptibility; Malignant hyperthermia suceptibility 1. Identifiers: Orphanet 423, MedGen C2930980, MONDO:0007783, OMIM 145600.

Submission:

All of Us Research Program, National Institutes of Health
Classification: Uncertain significance for Malignant hyperthermia, susceptibility to, 1. Last evaluated: 2024-01-03. Review status: criteria provided, single submitter. Criteria: ACMG Guidelines, 2015. Collection method: clinical testing. Allele origin: germline. Inheritance: Autosomal dominant inheritance. Observed: 1 variant allele, 1 heterozygote.
Comment: This missense variant replaces asparagine with serine at codon 3326 of the RYR1 protein. Computational prediction suggests that this variant may have deleterious impact on protein structure and function (internally defined REVEL score threshold >= 0.7, PMID: 27666373). To our knowledge, functional studies have not been reported for this variant. This variant has not been reported in individuals affected with RYR1-related disorders in the literature. This variant has not been identified in the general population by the Genome Aggregation Database (gnomAD). The available evidence is insufficient to determine the role of this variant in disease conclusively. Therefore, this variant is classified as a Variant of Uncertain Significance.

This study involves interpretation of variants in research participants for the purpose of population health screening. Participant phenotype was not available at the time of variant classification. Additional details can be found in publication PMID: 35346344, PMCID: PMC8962531